The following is an entry in ClinVar:

NM_001099922.3(ALG13):c.2102G>A (p.Arg701His)

Gene: ALG13 (ALG13 UDP-N-acetylglucosaminyltransferase subunit; plus strand). Cytogenetic location: Xq23.
Variant type: single nucleotide variant.
Coding change: c.2102G>A on transcript NM_001099922.3 (MANE Select); coding-DNA position 2102, G replaced by A.
Protein change: p.Arg701His; replaces arginine 701 with histidine.
Molecular consequence: missense variant. On other transcripts: non-coding transcript variant (1).
Genome position (GRCh38, 1-based): chrX:111,727,625, G>A. VCF-style: chrX-111727625-G-A. GRCh37 (hg19) VCF-style: chrX-110970853-G-A.
Other names: c.1790G>A, p.Arg597His (NM_001257230.2, NM_001257234.2, NM_001257237.2); c.1868G>A, p.Arg623His (NM_001257231.2); c.2102G>A, p.Arg701His (NM_001324292.2); c.1616G>A, p.Arg539His (NM_001324293.1); short protein forms R539H, R597H, R623H, R701H.
Identifiers: ClinVar variation 1711998 (VCV001711998.9), dbSNP rs780760081, ClinGen allele CA10493825.

ClinVar aggregate classification (germline): Conflicting classifications of pathogenicity. Review status: criteria provided, conflicting classifications (1 of 4 stars). 2 submissions from 2 submitters: Uncertain significance (1); Likely benign (1). Last evaluated 2025-04-01.

Allele frequency attached by ClinVar (database versions not stated): TOPMed 0.00001; gnomAD 0.00002.

Submissions (2):

CeGaT Center for Human Genetics Tuebingen
Classification: Likely benign. Last evaluated: 2025-04-01. Review status: criteria provided, single submitter. Criteria: CeGaT Center For Human Genetics Tuebingen Variant Classification Criteria Version 2. Collection method: clinical testing. Allele origin: germline. Affected: yes. Observed: 1 variant allele.
Comment: ALG13: BS2

GeneDx
Classification: Uncertain significance. Last evaluated: 2022-10-10. Review status: criteria provided, single submitter. Criteria: GeneDx Variant Classification Process June 2021. Collection method: clinical testing. Allele origin: germline. Affected: yes.
Comment: In silico analysis supports that this missense variant has a deleterious effect on protein structure/function; This variant is associated with the following publications: (PMID: 28991257, 35899201, 32368696)